The following is an entry in ClinVar:

ClinVar aggregate classification (germline): Uncertain significance. Review status: criteria provided, multiple submitters, no conflicts (2 of 4 stars). 2 submissions from 2 submitters: Uncertain significance (2). Last evaluated 2025-04-11.

Allele frequency attached by ClinVar (database versions not stated): ExAC 0.00003; TOPMed 0.00022; gnomAD exomes 0.00002 and 0.00003; gnomAD 0.00016; ESP Exome Variant Server 0.00025.
gnomAD v4.1: 52 of 1,610,996 alleles (0.0032%); highest among the groups gnomAD compares: African/African-American, 0.063%; no homozygotes.

Submissions (2):

Ambry Genetics
Classification: Uncertain significance. Last evaluated: 2025-04-11. Review status: criteria provided, single submitter. Criteria: Ambry Variant Classification Scheme 2023. Collection method: clinical testing. Allele origin: germline.

Labcorp Genetics (formerly Invitae), Labcorp
Classification: Uncertain significance. Last evaluated: 2022-07-15. Review status: criteria provided, single submitter. Criteria: Invitae Variant Classification Sherloc (09022015). Collection method: clinical testing. Allele origin: germline.
Comment: This sequence change replaces glutamic acid, which is acidic and polar, with aspartic acid, which is acidic and polar, at codon 390 of the SP7 protein (p.Glu390Asp). This variant is present in population databases (rs373328657, gnomAD 0.06%). This variant has not been reported in the literature in individuals affected with SP7-related conditions. ClinVar contains an entry for this variant (Variation ID: 1385531). Algorithms developed to predict the effect of missense changes on protein structure and function output the following: SIFT: "Tolerated"; PolyPhen-2: "Benign"; Align-GVGD: "Class C0". The aspartic acid amino acid residue is found in multiple mammalian species, which suggests that this missense change does not adversely affect protein function. In summary, the available evidence is currently insufficient to determine the role of this variant in disease. Therefore, it has been classified as a Variant of Uncertain Significance.

NM_001173467.3(SP7):c.1170G>T (p.Glu390Asp)

Gene: SP7 (Sp7 transcription factor; minus strand). Cytogenetic location: 12q13.13.
Variant type: single nucleotide variant.
Coding change: c.1170G>T on transcript NM_001173467.3 (MANE Select); coding-DNA position 1170, G replaced by T.
Protein change: p.Glu390Asp; replaces glutamic acid 390 with aspartic acid.
Molecular consequence: missense variant.
Genome position (GRCh38, 1-based): chr12:53,328,272, C>A on the plus strand (G>T on the coding strand, the complement: SP7 is on the minus strand). VCF-style: chr12-53328272-C-A. GRCh37 (hg19) VCF-style: chr12-53722056-C-A.
Other names: c.1116G>T, p.Glu372Asp (NM_001300837.2); c.1170G>T, p.Glu390Asp (NM_152860.2); c.1170G>T (NM_001173467.1); short protein forms E372D, E390D.
Identifiers: ClinVar variation 1385531 (VCV001385531.7), dbSNP rs373328657, ClinGen allele CA6599448.